The following is an entry in ClinVar:

ClinVar aggregate classification (germline): Benign/Likely benign. Review status: criteria provided, multiple submitters, no conflicts (2 of 4 stars). 3 submissions from 3 submitters: Benign (1); Likely benign (2). Last evaluated 2025-09-27.

Conditions:
Hereditary cancer-predisposing syndrome. Also called: Hereditary neoplastic syndrome; Neoplastic Syndromes, Hereditary; Tumor predisposition; Hereditary Cancer Syndrome. Identifiers: Orphanet 140162, MedGen C0027672, MeSH D009386, MONDO:0015356.
Familial adenomatous polyposis 1 (FAP1). Also called: FAMILIAL ADENOMATOUS POLYPOSIS 1, ATTENUATED; POLYPOSIS, ADENOMATOUS INTESTINAL. Identifiers: MedGen C2713442, MONDO:0021056, OMIM 175100. Disease mechanism: loss of function.

Allele frequency attached by ClinVar (database versions not stated): gnomAD exomes below 0.00001.
gnomAD v4.1: 4 of 1,614,230 alleles (0.00025%); highest among the groups gnomAD compares: Non-Finnish European, 0.00025%; no homozygotes.

Submissions (3):

Labcorp Genetics (formerly Invitae), Labcorp
Classification: Likely benign for Familial adenomatous polyposis 1. Last evaluated: 2025-09-27. Review status: criteria provided, single submitter. Criteria: Invitae Variant Classification Sherloc (09022015). Collection method: clinical testing. Allele origin: germline.

Color Diagnostics, LLC DBA Color Health
Classification: Likely benign for Hereditary cancer-predisposing syndrome. Last evaluated: 2025-05-25. Review status: criteria provided, single submitter. Criteria: ACMG Guidelines, 2015. Collection method: clinical testing. Allele origin: germline.

Myriad Genetics, Inc.
Classification: Benign for Familial adenomatous polyposis 1. Last evaluated: 2024-03-15. Review status: criteria provided, single submitter. Criteria: Myriad Autosomal Dominant, Autosomal Recessive and X-Linked Classification Criteria (2023). Collection method: clinical testing. Allele origin: unknown.
Comment: This variant is considered benign. This variant is a silent/synonymous amino acid change and it is not expected to impact splicing.

NM_000038.6(APC):c.2685A>G (p.Ser895=)

Gene: APC (APC regulator of Wnt signaling pathway; plus strand). Cytogenetic location: 5q22.2.
Variant type: single nucleotide variant.
Coding change: c.2685A>G on transcript NM_000038.6 (MANE Select); coding-DNA position 2685, A replaced by G.
Protein change: p.Ser895=; no amino-acid change (serine 895 retained).
Molecular consequence: synonymous variant.
Genome position (GRCh38, 1-based): chr5:112,838,279, A>G. VCF-style: chr5-112838279-A-G. GRCh37 (hg19) VCF-style: chr5-112173976-A-G.
Other names: c.2685A>G, p.Ser895= (NM_001127510.3, NM_001354895.2); c.2631A>G, p.Ser877= (NM_001127511.3); c.2739A>G, p.Ser913= (NM_001354896.2); c.2715A>G, p.Ser905= (NM_001354897.2); c.2610A>G, p.Ser870= (NM_001354898.2); c.2601A>G, p.Ser867= (NM_001354899.2); c.2562A>G, p.Ser854= (NM_001354900.2); c.2508A>G, p.Ser836= (NM_001354901.2); and 5 more.
Identifiers: ClinVar variation 1146714 (VCV001146714.11), dbSNP rs1554084377, ClinGen allele CA445963004.
Genomic context (GRCh38, chr5:112,838,279, plus strand): 5'-GCGAGGTTTGCAGATCTCCACCACTGCAGCCCAGATTGCCAAAGTCATGGAAGAAGTGTC[A>G]GCCATTCATACCTCTCAGGAAGACAGAAGTTCTGGGTCTACCACTGAATTACATTGTGTG-3'
Protein context (NP_000029.2, residues 885-905): AQIAKVMEEV[Ser895=]AIHTSQEDRS